The following is an entry in ClinVar:

ClinVar aggregate classification (germline): Benign. Review status: criteria provided, multiple submitters, no conflicts (2 of 4 stars). 2 submissions from 2 submitters: Benign (2). Last evaluated 2018-06-14.

Allele frequency attached by ClinVar (database versions not stated): 1000 Genomes Project 30x 0.99079; TOPMed 0.99107; gnomAD 0.99159 and 0.99220; 1000 Genomes Project 0.99201.

Submissions (2):

GeneDx
Classification: Benign. Last evaluated: 2018-06-14. Review status: criteria provided, single submitter. Criteria: GeneDx Variant Classification (06012015). Collection method: clinical testing. Allele origin: germline. Affected: yes.
Comment: This variant is considered likely benign or benign based on one or more of the following criteria: it is a conservative change, it occurs at a poorly conserved position in the protein, it is predicted to be benign by multiple in silico algorithms, and/or has population frequency not consistent with disease.

Breakthrough Genomics
Classification: Benign. Review status: criteria provided, single submitter. Criteria: ACMG Guidelines, 2015. Collection method: not provided. Allele origin: germline. Inheritance: Autosomal dominant inheritance. Affected: yes.

NM_001103.4(ACTN2):c.362-165T>C

Gene: ACTN2 (actinin alpha 2; plus strand). Cytogenetic location: 1q43.
Variant type: single nucleotide variant.
Coding change: c.362-165T>C on transcript NM_001103.4 (MANE Select); 165 bases into the intron before coding-DNA position 362, T replaced by C.
Molecular consequence: intron variant.
Genome position (GRCh38, 1-based): chr1:236,719,940, T>C. VCF-style: chr1-236719940-T-C. GRCh37 (hg19) VCF-style: chr1-236883240-T-C.
Other names: c.-460-165T>C (NM_001278344.2); c.362-165T>C (NM_001278343.2).
Identifiers: ClinVar variation 671984 (VCV000671984.2), dbSNP rs1768053, ClinGen allele CA39710393.